The following is an entry in ClinVar:

ClinVar aggregate classification (germline): Conflicting classifications of pathogenicity. Review status: criteria provided, conflicting classifications (1 of 4 stars). 5 submissions from 5 submitters: Uncertain significance (1); Likely benign (3). 1 of the submissions does not count toward it. Last evaluated 2026-01-13.

Conditions:
Neuronopathy, distal hereditary motor, type 2C. Also called: NEUROPATHY, DISTAL HEREDITARY MOTOR, AUTOSOMAL DOMINANT 4; NEURONOPATHY, DISTAL HEREDITARY MOTOR, HARDING TYPE IIC; NEUROPATHY, DISTAL HEREDITARY MOTOR, HARDING TYPE IIC; HMN IIC. Identifiers: Orphanet 139525, MedGen C3150619, MONDO:0013243, OMIM 613376.

Allele frequency attached by ClinVar (database versions not stated): ESP Exome Variant Server 0.00031; TOPMed 0.00034; ExAC 0.00050; gnomAD exomes 0.00052; gnomAD 0.00056 and 0.00058.

Submissions (5):

Labcorp Genetics (formerly Invitae), Labcorp
Classification: Likely benign for Neuronopathy, distal hereditary motor, type 2C. Last evaluated: 2026-01-13. Review status: criteria provided, single submitter. Criteria: Invitae Variant Classification Sherloc (09022015). Collection method: clinical testing. Allele origin: germline.

ARUP Laboratories, Molecular Genetics and Genomics, ARUP Laboratories
Classification: Uncertain significance for Neuronopathy, distal hereditary motor, type 2C. Last evaluated: 2024-12-31. Review status: criteria provided, single submitter. Criteria: ARUP Molecular Germline Variant Investigation Process 2024. Collection method: clinical testing. Allele origin: germline.
Comment: The HSPB3 c.21G>T; p.Arg7Ser variant (rs139382018, ClinVar Variation ID: 5429) is reported in the literature in multiple individuals affected with hereditary motor and peripheral neuropathy (Kolb 2010, Lassuthova 2016). This variant is found in the Finnish European population with an allele frequency of 0.2% (48/25122 alleles, including 1 homozygote) in the Genome Aggregation Database (v2.1.1). Computational analyses are uncertain whether this variant is neutral or deleterious (REVEL: 0.614). In vitro functional analyses using full length chicken-HSPB3 protein demonstrate no significant difference between wild type and mutant R7S on motor neuron survival (La Padula 2016). Although the frequency of this variant is greater than expected for hereditary motor neuronopathy, due to conflicting information, the clinical significance of this variant is uncertain at this time. References: Kolb SJ et al. Mutant small heat shock protein B3 causes motor neuropathy: utility of a candidate gene approach. Neurology. 2010 Feb 9;74(6):502-6. PMID: 20142617. Lassuthova P et al. Improving diagnosis of inherited peripheral neuropathies through gene panel analysis. Orphanet J Rare Dis. 2016 Aug 22;11(1):118. PMID: 27549087. La Padula V et al. HSPB3 protein is expressed in motoneurons and induces their survival after lesion-induced degeneration. Exp Neurol. 2016 Dec;286:40-49. PMID: 27567740.

Blueprint Genetics
Classification: Likely benign. Last evaluated: 2024-11-22. Review status: criteria provided, single submitter. Criteria: ACMG Guidelines, 2015. Collection method: clinical testing. Allele origin: germline.

CeGaT Center for Human Genetics Tuebingen
Classification: Likely benign. Last evaluated: 2020-09-01. Review status: criteria provided, single submitter. Criteria: CeGaT Center For Human Genetics Tuebingen Variant Classification Criteria Version 2. Collection method: clinical testing. Allele origin: germline. Affected: yes. Observed: 2 variant alleles.

OMIM
Classification: Pathogenic for NEURONOPATHY, DISTAL HEREDITARY MOTOR, AUTOSOMAL DOMINANT 4 (1 family). Last evaluated: 2010-02-09. Review status: no assertion criteria provided. Collection method: literature only. Allele origin: germline. Not counted in ClinVar's aggregate classification.

Literature cited by the submitters: PubMed 20142617 (cited by OMIM); PubMed 8972725 (cited by OMIM).

NM_006308.3(HSPB3):c.21G>T (p.Arg7Ser)

Gene: HSPB3 (heat shock protein family B (small) member 3; plus strand). Cytogenetic location: 5q11.2.
Variant type: single nucleotide variant.
Coding change: c.21G>T on transcript NM_006308.3 (MANE Select); coding-DNA position 21, G replaced by T.
Protein change: p.Arg7Ser; replaces arginine 7 with serine.
Molecular consequence: missense variant.
Genome position (GRCh38, 1-based): chr5:54,455,810, G>T. VCF-style: chr5-54455810-G-T. GRCh37 (hg19) VCF-style: chr5-53751640-G-T.
Other names: short protein forms R7S.
Identifiers: ClinVar variation 5429 (VCV000005429.55), dbSNP rs139382018, ClinGen allele CA117540.